The following is an entry in ClinVar:

NM_000465.4(BARD1):c.1325C>T (p.Pro442Leu)

Gene: BARD1 (BRCA1 associated RING domain 1; minus strand). Cytogenetic location: 2q35.
Variant type: single nucleotide variant.
Coding change: c.1325C>T on transcript NM_000465.4 (MANE Select); coding-DNA position 1325, C replaced by T.
Protein change: p.Pro442Leu; replaces proline 442 with leucine.
Molecular consequence: missense variant. On other transcripts: non-coding transcript variant (3), intron variant (3).
Genome position (GRCh38, 1-based): chr2:214,769,302, G>A on the plus strand (C>T on the coding strand, the complement: BARD1 is on the minus strand). VCF-style: chr2-214769302-G-A. GRCh37 (hg19) VCF-style: chr2-215634026-G-A.
Other names: p.P442L:CCT>CTT; c.1268C>T, p.Pro423Leu (NM_001282543.2); c.159-16747C>T (NM_001282548.2); c.216-16747C>T (NM_001282545.2); c.364+22995C>T (NM_001282549.2); short protein forms P442L, P423L.
Identifiers: ClinVar variation 182045 (VCV000182045.28), dbSNP rs730881417, ClinGen allele CA298462.

ClinVar aggregate classification (germline): Uncertain significance. Review status: criteria provided, multiple submitters, no conflicts (2 of 4 stars). 10 submissions from 10 submitters: Uncertain significance (9). 1 of the submissions does not count toward it. Last evaluated 2025-09-25.

Conditions:
BARD1-related cancer predisposition. Identifiers: MedGen CN377756, MONDO:0700267.
Hereditary cancer-predisposing syndrome. Also called: Tumor predisposition; Neoplastic Syndromes, Hereditary; Hereditary neoplastic syndrome; Hereditary Cancer Syndrome. Identifiers: Orphanet 140162, MedGen C0027672, MeSH D009386, MONDO:0015356.
Familial cancer of breast. Also called: BREAST CANCER, FAMILIAL; hereditary breast carcinoma; Hereditary breast cancer. Identifiers: Orphanet 227535, MedGen C0346153, MONDO:0016419, OMIM 114480. Disease mechanism: loss of function.

Allele frequency attached by ClinVar (database versions not stated): ExAC 0.00001.
gnomAD v4.1: 38 of 1,612,910 alleles (0.0024%); highest among the groups gnomAD compares: Non-Finnish European, 0.003%; no homozygotes.

Submissions (10):

Ambry Genetics
Classification: Uncertain significance for Hereditary cancer-predisposing syndrome. Last evaluated: 2025-09-25. Review status: criteria provided, single submitter. Criteria: Ambry Variant Classification Scheme 2023. Collection method: clinical testing. Allele origin: germline.
Comment: The p.P442L variant (also known as c.1325C>T), located in coding exon 5 of the BARD1 gene, results from a C to T substitution at nucleotide position 1325. The proline at codon 442 is replaced by leucine, an amino acid with similar properties. This amino acid position is not well conserved in available vertebrate species. In addition, this alteration is predicted to be tolerated by in silico analysis. Since supporting evidence is limited at this time, the clinical significance of this alteration remains unclear.

Labcorp Genetics (formerly Invitae), Labcorp
Classification: Uncertain significance for Familial cancer of breast. Last evaluated: 2025-09-16. Review status: criteria provided, single submitter. Criteria: Invitae Variant Classification Sherloc (09022015). Collection method: clinical testing. Allele origin: germline.
Comment: This sequence change replaces proline, which is neutral and non-polar, with leucine, which is neutral and non-polar, at codon 442 of the BARD1 protein (p.Pro442Leu). This variant is present in population databases (rs730881417, gnomAD 0.003%). This variant has not been reported in the literature in individuals affected with BARD1-related conditions. ClinVar contains an entry for this variant (Variation ID: 182045). An algorithm developed to predict the effect of missense changes on protein structure and function (PolyPhen-2) suggests that this variant is likely to be tolerated. In summary, the available evidence is currently insufficient to determine the role of this variant in disease. Therefore, it has been classified as a Variant of Uncertain Significance.

Blueprint Genetics
Classification: Uncertain significance. Last evaluated: 2024-05-03. Review status: criteria provided, single submitter. Criteria: ACMG Guidelines, 2015. Collection method: clinical testing. Allele origin: germline.

Color Diagnostics, LLC DBA Color Health
Classification: Uncertain significance for Hereditary cancer-predisposing syndrome. Last evaluated: 2024-03-06. Review status: criteria provided, single submitter. Criteria: ACMG Guidelines, 2015. Collection method: clinical testing. Allele origin: germline.
Comment: This missense variant replaces proline with leucine at codon 442 of the BARD1 protein. Computational prediction suggests that this variant may not impact protein structure and function (internally defined REVEL score threshold <= 0.5, PMID: 27666373). To our knowledge, functional studies have not been reported for this variant. This variant has not been reported in individuals affected with BARD1-related disorders in the literature. This variant has been identified in 3/251198 chromosomes in the general population by the Genome Aggregation Database (gnomAD). The available evidence is insufficient to determine the role of this variant in disease conclusively. Therefore, this variant is classified as a Variant of Uncertain Significance.

Baylor Genetics
Classification: Uncertain significance for Familial cancer of breast. Last evaluated: 2023-09-05. Review status: criteria provided, single submitter. Criteria: ACMG Guidelines, 2015. Collection method: clinical testing. Allele origin: unknown.

GeneDx
Classification: Uncertain significance. Last evaluated: 2023-05-08. Review status: criteria provided, single submitter. Criteria: GeneDx Variant Classification Process June 2021. Collection method: clinical testing. Allele origin: germline. Affected: yes.
Comment: Not observed at significant frequency in large population cohorts (gnomAD); In silico analysis supports that this missense variant has a deleterious effect on protein structure/function; Has not been previously published as pathogenic or benign to our knowledge; This variant is associated with the following publications: (PMID: 18480049)

Department of Pathology and Laboratory Medicine, Sinai Health System
Classification: Uncertain significance for BARD1-related cancer predisposition. Last evaluated: 2023-04-14. Review status: criteria provided, single submitter. Criteria: ACMG Guidelines, 2015. Collection method: clinical testing. Allele origin: germline. Affected: no.

Myriad Genetics, Inc.
Classification: Uncertain significance for Familial cancer of breast. Last evaluated: 2023-02-24. Review status: criteria provided, single submitter. Criteria: Myriad Autosomal Dominant, Autosomal Recessive and X-Linked Classification Criteria (2023). Collection method: clinical testing. Allele origin: unknown.
Comment: This variant is classified as a variant of uncertain significance as there is insufficient evidence to determine its impact on protein function and/or cancer risk.

Women's Health and Genetics/Laboratory Corporation of America, LabCorp
Classification: Uncertain significance. Last evaluated: 2016-12-05. Review status: criteria provided, single submitter. Criteria: LabCorp Variant Classification Summary - May 2015. Collection method: clinical testing. Allele origin: germline.
Comment: Variant summary: The c.1325C>T variant involves the alteration of a conserved nucleotide and 2/3 in silico tools predict a pathogenic outcome. The variant was observed in the large and broad cohorts of the ExAC project at an allele frequency of 0.0008% which does not exceed the maximal expected allele frequency for a pathogenic variant in BARD1 (0.02%). The variant of interest has not, to our knowledge, been reported in affected individuals via publications nor evaluated for functional impact by in vivo/vitro studies, however one reputable clinical lab has classified the variant as a VUS. Because of the absence of clinical information and the lack of functional studies, the variant was classified as a variant of uncertain significance (VUS) until additional information becomes available.

Counsyl
Classification: Uncertain significance for Familial cancer of breast. Last evaluated: 2018-05-02. Review status: no assertion criteria provided. Collection method: clinical testing. Allele origin: unknown. Not counted in ClinVar's aggregate classification.